The following is an entry in ClinVar:

NM_000540.3(RYR1):c.12607C>T (p.Gln4203Ter)

Gene: RYR1 (ryanodine receptor 1; plus strand). Cytogenetic location: 19q13.2.
Variant type: single nucleotide variant.
Coding change: c.12607C>T on transcript NM_000540.3 (MANE Select); coding-DNA position 12607, C replaced by T.
Protein change: p.Gln4203Ter; replaces glutamine 4203 with a stop codon.
Molecular consequence: nonsense.
Genome position (GRCh38, 1-based): chr19:38,561,437, C>T. VCF-style: chr19-38561437-C-T. GRCh37 (hg19) VCF-style: chr19-39052077-C-T.
Other names: c.12592C>T, p.Gln4198Ter (NM_001042723.2); short protein forms Q4198*, Q4203*.
Identifiers: ClinVar variation 2797923 (VCV002797923.3), dbSNP rs2514654709, ClinGen allele CA405669886.

ClinVar aggregate classification (germline): Pathogenic (1 of 4 stars; one submission).

Conditions:
RYR1-related disorder. Also called: RYR1-related condition; RYR1-related disorders. Identifiers: MedGen CN239331.

gnomAD v4.1: 1 of 1,609,050 alleles (0.000062%); no homozygotes.

Submission:

Labcorp Genetics (formerly Invitae), Labcorp
Classification: Pathogenic for RYR1-related disorder. Last evaluated: 2023-12-19. Review status: criteria provided, single submitter. Criteria: Invitae Variant Classification Sherloc (09022015). Collection method: clinical testing. Allele origin: germline.
Comment: This sequence change creates a premature translational stop signal (p.Gln4203*) in the RYR1 gene. It is expected to result in an absent or disrupted protein product. Loss-of-function variants in RYR1 are known to be pathogenic (PMID: 23919265, 25960145, 28818389, 30611313). This variant is not present in population databases (gnomAD no frequency). This variant has not been reported in the literature in individuals affected with RYR1-related conditions. For these reasons, this variant has been classified as Pathogenic.

Literature cited by the submitters: PubMed 23919265; PubMed 25960145; PubMed 28818389; PubMed 30611313.